The following is an entry in ClinVar:

NM_001437.3(ESR2):c.64A>G (p.Ile22Val)

Gene: ESR2 (estrogen receptor 2; minus strand). Cytogenetic location: 14q23.2.
Variant type: single nucleotide variant.
Coding change: c.64A>G on transcript NM_001437.3 (MANE Select); coding-DNA position 64, A replaced by G.
Protein change: p.Ile22Val; replaces isoleucine 22 with valine.
Molecular consequence: missense variant. On other transcripts: non-coding transcript variant (2).
Genome position (GRCh38, 1-based): chr14:64,282,922, T>C on the plus strand (A>G on the coding strand, the complement: ESR2 is on the minus strand). VCF-style: chr14-64282922-T-C. GRCh37 (hg19) VCF-style: chr14-64749640-T-C.
Other names: c.64A>G (NM_001437.2); c.64A>G, p.Ile22Val (NM_001040275.1, NM_001214902.1, NM_001271876.1 and 3 more transcripts); short protein forms I22V.
Identifiers: ClinVar variation 1411054 (VCV001411054.10), dbSNP rs76299711, ClinGen allele CA7225682.

ClinVar aggregate classification (germline): Conflicting classifications of pathogenicity. Review status: criteria provided, conflicting classifications (1 of 4 stars). 3 submissions from 3 submitters: Uncertain significance (2); Likely benign (1). Last evaluated 2025-09-22.

Allele frequency attached by ClinVar (database versions not stated): ESP Exome Variant Server 0.00054; gnomAD 0.00055.
gnomAD v4.1: 1,557 of 1,613,956 alleles (0.096%); highest among the groups gnomAD compares: Non-Finnish European, 0.12%; no homozygotes.

Submissions (3):

Labcorp Genetics (formerly Invitae), Labcorp
Classification: Uncertain significance. Last evaluated: 2025-09-22. Review status: criteria provided, single submitter. Criteria: Invitae Variant Classification Sherloc (09022015). Collection method: clinical testing. Allele origin: germline.
Comment: This sequence change replaces isoleucine, which is neutral and non-polar, with valine, which is neutral and non-polar, at codon 22 of the ESR2 protein (p.Ile22Val). This variant is present in population databases (rs76299711, gnomAD 0.1%), and has an allele count higher than expected for a pathogenic variant. This variant has not been reported in the literature in individuals affected with ESR2-related conditions. ClinVar contains an entry for this variant (Variation ID: 1411054). An algorithm developed to predict the effect of missense changes on protein structure and function outputs the following: PolyPhen-2: "Benign". The valine amino acid residue is found in multiple mammalian species, which suggests that this missense change does not adversely affect protein function. In summary, the available evidence is currently insufficient to determine the role of this variant in disease. Therefore, it has been classified as a Variant of Uncertain Significance.

Ambry Genetics
Classification: Likely benign. Last evaluated: 2022-01-26. Review status: criteria provided, single submitter. Criteria: Ambry Variant Classification Scheme 2023. Collection method: clinical testing. Allele origin: germline.

Breakthrough Genomics
Classification: Uncertain significance. Review status: criteria provided, single submitter. Criteria: ACMG Guidelines, 2015. Collection method: not provided. Allele origin: germline. Inheritance: Autosomal dominant inheritance. Affected: yes.